The following is an entry in ClinVar:

ClinVar aggregate classification (germline): Benign. Review status: criteria provided, multiple submitters, no conflicts (2 of 4 stars). 3 submissions from 3 submitters: Benign (3). Last evaluated 2026-02-01.

Conditions:
Combined immunodeficiency due to LRBA deficiency. Also called: Common variable immunodeficiency 8, with autoimmunity. Identifiers: Orphanet 445018, MedGen C3553512, MONDO:0013863, OMIM 614700.

Allele frequency attached by ClinVar (database versions not stated): gnomAD exomes 0.00045 and 0.00120; ExAC 0.00266; gnomAD 0.00519 and 0.00553; ESP Exome Variant Server 0.00592; TOPMed 0.00596; 1000 Genomes Project 0.00599; 1000 Genomes Project 30x 0.00671.
gnomAD v4.1: 1,487 of 1,596,852 alleles (0.093%); highest among the groups gnomAD compares: African/African-American, 1.7%; 14 homozygotes.

Submissions (3):

Labcorp Genetics (formerly Invitae), Labcorp
Classification: Benign for Combined immunodeficiency due to LRBA deficiency. Last evaluated: 2026-02-01. Review status: criteria provided, single submitter. Criteria: Invitae Variant Classification Sherloc (09022015). Collection method: clinical testing. Allele origin: germline.

Mayo Clinic Laboratories, Mayo Clinic
Classification: Benign. Last evaluated: 2025-10-23. Review status: criteria provided, single submitter. Criteria: ACMG Guidelines, 2015. Collection method: clinical testing. Allele origin: germline. Observed: 4 variant alleles.
Comment: BS1, BS2, BP4, BP7

Breakthrough Genomics
Classification: Benign. Review status: criteria provided, single submitter. Criteria: ACMG Guidelines, 2015. Collection method: not provided. Allele origin: germline. Inheritance: Autosomal recessive inheritance. Affected: yes.

NM_001364905.1(LRBA):c.8088G>A (p.Ala2696=)

Gene: LRBA (LPS responsive beige-like anchor protein; minus strand). Cytogenetic location: 4q31.3.
Variant type: single nucleotide variant.
Coding change: c.8088G>A on transcript NM_001364905.1 (MANE Select); coding-DNA position 8088, G replaced by A.
Protein change: p.Ala2696=; no amino-acid change (alanine 2696 retained).
Molecular consequence: synonymous variant.
Genome position (GRCh38, 1-based): chr4:150,285,964, C>T on the plus strand (G>A on the coding strand, the complement: LRBA is on the minus strand). VCF-style: chr4-150285964-C-T. GRCh37 (hg19) VCF-style: chr4-151207116-C-T.
Other names: p.Ala2707=; c.8085G>A, p.Ala2695= (NM_001199282.3); c.8103G>A, p.Ala2701= (NM_001367550.1); c.8121G>A, p.Ala2707= (NM_006726.5).
Identifiers: ClinVar variation 473188 (VCV000473188.14), dbSNP rs78563281, ClinGen allele CA3101441.